The following is an entry in ClinVar:

NM_000535.7(PMS2):c.2170A>G (p.Ile724Val)

Gene: PMS2 (PMS1 homolog 2, mismatch repair system component; minus strand). Cytogenetic location: 7p22.1.
Variant type: single nucleotide variant.
Coding change: c.2170A>G on transcript NM_000535.7 (MANE Select); coding-DNA position 2170, A replaced by G.
Protein change: p.Ile724Val; replaces isoleucine 724 with valine.
Molecular consequence: missense variant. On other transcripts: non-coding transcript variant (1), intron variant (4).
Genome position (GRCh38, 1-based): chr7:5,982,828, T>C on the plus strand (A>G on the coding strand, the complement: PMS2 is on the minus strand). VCF-style: chr7-5982828-T-C. GRCh37 (hg19) VCF-style: chr7-6022459-T-C.
Other names: c.1765A>G, p.Ile589Val (NM_001018040.1, NM_001322003.2, NM_001322004.2 and 15 more transcripts); c.2014A>G, p.Ile672Val (NM_001322006.2, NM_001406870.1); c.1852A>G, p.Ile618Val (NM_001322007.2, NM_001322008.2, NM_001406876.1 and 1 more transcripts); c.1609A>G, p.Ile537Val (NM_001322010.2, NM_001406906.1, NM_001406907.1); c.1237A>G, p.Ile413Val (NM_001322011.2, NM_001322012.2); c.1597A>G, p.Ile533Val (NM_001322013.2, NM_001406909.1); c.2170A>G, p.Ile724Val (NM_001322014.2, NM_001406871.1); c.1861A>G, p.Ile621Val (NM_001322015.2, NM_001406875.1, NM_001406877.1 and 5 more transcripts); and 16 more; short protein forms I323V, I566V, I569V, I467V, I612V, I672V, I724V, I786V.
Identifiers: ClinVar variation 2566074 (VCV002566074.2), dbSNP rs2128702189, ClinGen allele CA366737844.

ClinVar aggregate classification (germline): Uncertain significance (1 of 4 stars; one submission).

Conditions:
Hereditary cancer-predisposing syndrome. Also called: Neoplastic Syndromes, Hereditary; Hereditary Cancer Syndrome; Hereditary neoplastic syndrome; Tumor predisposition. Identifiers: Orphanet 140162, MedGen C0027672, MeSH D009386, MONDO:0015356.

Submission:

Ambry Genetics
Classification: Uncertain significance for Hereditary cancer-predisposing syndrome. Last evaluated: 2023-04-19. Review status: criteria provided, single submitter. Criteria: Ambry Variant Classification Scheme 2023. Collection method: clinical testing. Allele origin: germline.
Comment: The p.I724V variant (also known as c.2170A>G), located in coding exon 12 of the PMS2 gene, results from an A to G substitution at nucleotide position 2170. The isoleucine at codon 724 is replaced by valine, an amino acid with highly similar properties. This amino acid position is conserved. In addition, the in silico prediction for this alteration is inconclusive. Since supporting evidence is limited at this time, the clinical significance of this alteration remains unclear.